The following is an entry in ClinVar:

ClinVar aggregate classification (germline): Uncertain significance (1 of 4 stars; one submission).

Conditions:
SDCCAG8-related disorder. Also called: SDCCAG8-related condition; SDCCAG8-Related Disorders.

Submission:

PreventionGenetics, part of Exact Sciences
Classification: Uncertain significance for SDCCAG8-related condition. Last evaluated: 2025-12-04. Review status: criteria provided, single submitter. Criteria: ACMG Guidelines, 2015. Collection method: clinical testing. Allele origin: germline.
Comment: The SDCCAG8 c.584A>T variant is predicted to result in the amino acid substitution p.Asp195Val. To our knowledge, this variant has not been reported in the literature. This variant is reported in 0.00088% of alleles in individuals of European (Non-Finnish) descent in gnomAD. At this time, the clinical significance of this variant is uncertain due to the absence of conclusive functional and genetic evidence.

NM_006642.5(SDCCAG8):c.584A>T (p.Asp195Val)

Gene: SDCCAG8 (SHH signaling and ciliogenesis regulator SDCCAG8; plus strand). Cytogenetic location: 1q43.
Variant type: single nucleotide variant.
Coding change: c.584A>T on transcript NM_006642.5 (MANE Select); coding-DNA position 584, A replaced by T.
Protein change: p.Asp195Val; replaces aspartic acid 195 with valine.
Molecular consequence: missense variant. On other transcripts: 5 prime UTR variant (3).
Genome position (GRCh38, 1-based): chr1:243,293,128, A>T. VCF-style: chr1-243293128-A-T. GRCh37 (hg19) VCF-style: chr1-243456430-A-T.
Other names: c.-529A>T (NM_001350246.2); c.-417A>T (NM_001350247.2); c.584A>T, p.Asp195Val (NM_001350248.2); c.290A>T, p.Asp97Val (NM_001350249.2); c.-790A>T (NM_001350251.2); short protein forms D195V, D97V.
Identifiers: ClinVar variation 4994523 (VCV004994523.1).